The following is an entry in ClinVar:

ClinVar aggregate classification (germline): Pathogenic. Review status: criteria provided, single submitter (1 of 4 stars). 2 submissions from 2 submitters: Pathogenic (1). 1 of the submissions does not count toward it. Last evaluated 2022-11-24.

Conditions:
Primary pulmonary hypertension. Also called: Idiopathic pulmonary hypertension. Identifiers: MedGen C0152171.
Pulmonary hypertension, primary, 1 (PPH1). Also called: Pulmonary hypertension, familial primary, 1, with or without HHT. Identifiers: Orphanet 422, MedGen C4552070, MONDO:0024533, OMIM 178600.

Submissions (2):

Labcorp Genetics (formerly Invitae), Labcorp
Classification: Pathogenic for Primary pulmonary hypertension. Last evaluated: 2022-11-24. Review status: criteria provided, single submitter. Criteria: Invitae Variant Classification Sherloc (09022015). Collection method: clinical testing. Allele origin: germline.
Comment: This sequence change creates a premature translational stop signal (p.Leu476Glyfs*22) in the BMPR2 gene. It is expected to result in an absent or disrupted protein product. Loss-of-function variants in BMPR2 are known to be pathogenic (PMID: 16429395). This variant is not present in population databases (gnomAD no frequency). This premature translational stop signal has been observed in individual(s) with pulmonary arterial hypertension (PMID: 26387786). ClinVar contains an entry for this variant (Variation ID: 212813). For these reasons, this variant has been classified as Pathogenic.

Rare Disease Genomics Group, St George's University of London
Classification: Pathogenic for Primary pulmonary hypertension. Review status: no assertion criteria provided. Collection method: literature only. Allele origin: germline. Affected: yes. Not counted in ClinVar's aggregate classification.

Literature cited by the submitters: PubMed 16429395 (cited by Labcorp Genetics (formerly Invitae), Labcorp); PubMed 26387786 (cited by Labcorp Genetics (formerly Invitae), Labcorp and Rare Disease Genomics Group, St George's University of London).

NM_001204.7(BMPR2):c.1426_1450del (p.Leu476fs)

Gene: BMPR2 (bone morphogenetic protein receptor type 2; plus strand). Cytogenetic location: 2q33.2.
Variant type: Deletion.
Coding change: c.1426_1450del on transcript NM_001204.7 (MANE Select); coding-DNA positions 1426 to 1450, 25 bases deleted (CTCAAGGAGACAATCGAAGACTGTT).
Protein change: p.Leu476fs; shifts the reading frame from leucine 476.
Molecular consequence: frameshift variant.
Genome position (GRCh38, 1-based): chr2:202,552,728-202,552,752, CTCAAGGAGACAATCGAAGACTGTT deleted. VCF-style (leftmost placement, unchanged base first): chr2-202552727-ACTCAAGGAGACAATCGAAGACTGTT-A. GRCh37 (hg19) VCF-style: chr2-203417450-ACTCAAGGAGACAATCGAAGACTGTT-A.
Other names: c.1426_1450del, p.L476Gfs*22 (LRG_712t1); short protein forms L476fs.
Identifiers: ClinVar variation 212813 (VCV000212813.4), dbSNP rs863223422, ClinGen allele CA320979.